The following is an entry in ClinVar:

ClinVar aggregate classification (germline): Uncertain significance. Review status: criteria provided, single submitter (1 of 4 stars). 2 submissions from 2 submitters: Uncertain significance (1). 1 of the submissions does not count toward it. Last evaluated 2026-07-07.

Conditions:
Hereditary cancer-predisposing syndrome. Also called: Tumor predisposition; Hereditary neoplastic syndrome; Hereditary Cancer Syndrome; Neoplastic Syndromes, Hereditary. Identifiers: Orphanet 140162, MedGen C0027672, MeSH D009386, MONDO:0015356.

Allele frequency attached by ClinVar (database versions not stated): TOPMed below 0.00001.

Submissions (2):

Ambry Genetics
Classification: Uncertain significance for Hereditary cancer-predisposing syndrome. Last evaluated: 2026-07-07. Review status: criteria provided, single submitter. Criteria: Ambry Variant Classification Scheme 2023. Collection method: clinical testing. Allele origin: germline.
Comment: The p.P442R variant (also known as c.1325C>G), located in coding exon 13 of the BAP1 gene, results from a C to G substitution at nucleotide position 1325. The proline at codon 442 is replaced by arginine, an amino acid with dissimilar properties. This amino acid position is conserved. In addition, the in silico prediction for this alteration is inconclusive. Based on the available evidence, the clinical significance of this variant remains unclear.

ITMI
No classification provided. Condition: AllHighlyPenetrant. Last evaluated: 2013-09-19. Review status: no classification provided. Collection method: reference population. Allele origin: germline. Not counted in ClinVar's aggregate classification.
Comment: Please see associated publication for description of ethnicities

Literature cited by the submitters: PubMed 24728327 (cited by ITMI).

NM_004656.4(BAP1):c.1325C>G (p.Pro442Arg)

Gene: BAP1 (BRCA1 associated deubiquitinase 1; minus strand). Cytogenetic location: 3p21.1.
Variant type: single nucleotide variant.
Coding change: c.1325C>G on transcript NM_004656.4 (MANE Select); coding-DNA position 1325, C replaced by G.
Protein change: p.Pro442Arg; replaces proline 442 with arginine.
Molecular consequence: missense variant.
Genome position (GRCh38, 1-based): chr3:52,403,820, G>C on the plus strand (C>G on the coding strand, the complement: BAP1 is on the minus strand). VCF-style: chr3-52403820-G-C. GRCh37 (hg19) VCF-style: chr3-52437836-G-C.
Other names: c.1325C>G (NM_004656.2); short protein forms P442R.
Identifiers: ClinVar variation 133662 (VCV000133662.2), dbSNP rs587778089, ClinGen allele CA157247.
Genomic context (GRCh38, chr3:52,403,820, plus strand): 5'-GGAATTGAGAGGTCCTTCTGGGACTCTTTGAGCTTCTCAGCCAAGACGTTGATGGTGTTG[G>C]GCTGCAGCACTGACAGTTGCCCATCAGCAGAACCGCTCAATGCCCCTGGCTTCCCTGTTC-3'
Protein context (NP_004647.1, residues 432-452): SADGQLSVLQ[Pro442Arg]NTINVLAEKL